The following is an entry in ClinVar:

ClinVar aggregate classification (germline): Uncertain significance. Review status: criteria provided, multiple submitters, no conflicts (2 of 4 stars). 3 submissions from 3 submitters: Uncertain significance (3). Last evaluated 2025-02-21.

Conditions:
Inborn genetic diseases. Identifiers: MedGen C0950123, MeSH D030342.

Allele frequency attached by ClinVar (database versions not stated): gnomAD 0.00001; ExAC 0.00002; gnomAD exomes 0.00002 and 0.00003; TOPMed 0.00002.
gnomAD v4.1: 45 of 1,613,814 alleles (0.0028%); highest among the groups gnomAD compares: Non-Finnish European, 0.0038%; no homozygotes.

Submissions (3):

Ambry Genetics
Classification: Uncertain significance for Inborn genetic diseases. Last evaluated: 2025-02-21. Review status: criteria provided, single submitter. Criteria: Ambry Variant Classification Scheme 2023. Collection method: clinical testing. Allele origin: germline.

Labcorp Genetics (formerly Invitae), Labcorp
Classification: Uncertain significance. Last evaluated: 2024-11-05. Review status: criteria provided, single submitter. Criteria: Invitae Variant Classification Sherloc (09022015). Collection method: clinical testing. Allele origin: germline.
Comment: This sequence change replaces aspartic acid, which is acidic and polar, with asparagine, which is neutral and polar, at codon 1148 of the IMPG2 protein (p.Asp1148Asn). This variant is present in population databases (rs764590260, gnomAD 0.004%). This variant has not been reported in the literature in individuals affected with IMPG2-related conditions. ClinVar contains an entry for this variant (Variation ID: 1051153). Invitae Evidence Modeling of protein sequence and biophysical properties (such as structural, functional, and spatial information, amino acid conservation, physicochemical variation, residue mobility, and thermodynamic stability) has been performed for this missense variant. However, the output from this modeling did not meet the statistical confidence thresholds required to predict the impact of this variant on IMPG2 protein function. In summary, the available evidence is currently insufficient to determine the role of this variant in disease. Therefore, it has been classified as a Variant of Uncertain Significance.

Blueprint Genetics
Classification: Uncertain significance. Last evaluated: 2023-03-16. Review status: criteria provided, single submitter. Criteria: ACMG Guidelines, 2015. Collection method: clinical testing. Allele origin: germline.

NM_016247.4(IMPG2):c.3442G>A (p.Asp1148Asn)

Gene: IMPG2 (interphotoreceptor matrix proteoglycan 2; minus strand). Cytogenetic location: 3q12.3.
Variant type: single nucleotide variant.
Coding change: c.3442G>A on transcript NM_016247.4 (MANE Select); coding-DNA position 3442, G replaced by A.
Protein change: p.Asp1148Asn; replaces aspartic acid 1148 with asparagine.
Molecular consequence: missense variant.
Genome position (GRCh38, 1-based): chr3:101,229,571, C>T on the plus strand (G>A on the coding strand, the complement: IMPG2 is on the minus strand). VCF-style: chr3-101229571-C-T. GRCh37 (hg19) VCF-style: chr3-100948415-C-T.
Other names: c.3442G>A (NM_016247.3); short protein forms D1148N.
Identifiers: ClinVar variation 1051153 (VCV001051153.11), dbSNP rs764590260, ClinGen allele CA2518748.